The following is an entry in ClinVar:

NM_000548.5(TSC2):c.2356C>T (p.Arg786Cys)

Gene: TSC2 (TSC complex subunit 2; plus strand). Cytogenetic location: 16p13.3.
Variant type: single nucleotide variant.
Coding change: c.2356C>T on transcript NM_000548.5 (MANE Select); coding-DNA position 2356, C replaced by T.
Protein change: p.Arg786Cys; replaces arginine 786 with cysteine.
Molecular consequence: missense variant.
Genome position (GRCh38, 1-based): chr16:2,074,200, C>T. VCF-style: chr16-2074200-C-T. GRCh37 (hg19) VCF-style: chr16-2124201-C-T.
Other names: c.2356C>T, p.Arg786Cys (NM_001077183.3, NM_001114382.3, NM_001363528.2 and 3 more transcripts); c.2245C>T, p.Arg749Cys (NM_001318827.2); c.2209C>T, p.Arg737Cys (NM_001318829.2); c.1756C>T, p.Arg586Cys (NM_001318831.2); c.2389C>T, p.Arg797Cys (NM_001318832.2); short protein forms R786C, R586C, R737C, R749C, R797C.
Identifiers: ClinVar variation 374680 (VCV000374680.63), dbSNP rs767252128, ClinGen allele CA038725.

ClinVar aggregate classification (germline): Conflicting classifications of pathogenicity. Review status: criteria provided, conflicting classifications (1 of 4 stars). 7 submissions from 7 submitters: Uncertain significance (4); Likely benign (3). Last evaluated 2026-01-19.

Conditions:
Hereditary cancer-predisposing syndrome. Also called: Tumor predisposition; Hereditary Cancer Syndrome; Hereditary neoplastic syndrome; Neoplastic Syndromes, Hereditary. Identifiers: Orphanet 140162, MedGen C0027672, MeSH D009386, MONDO:0015356.
Tuberous sclerosis 2 (TSC2). Identifiers: Orphanet 805, MedGen C1860707, MONDO:0013199, OMIM 613254.

Allele frequency attached by ClinVar (database versions not stated): gnomAD 0.00002 and 0.00003; TOPMed 0.00002; gnomAD exomes 0.00004; ExAC 0.00006.

Submissions (7):

Labcorp Genetics (formerly Invitae), Labcorp
Classification: Likely benign for Tuberous sclerosis 2. Last evaluated: 2026-01-19. Review status: criteria provided, single submitter. Criteria: Invitae Variant Classification Sherloc (09022015). Collection method: clinical testing. Allele origin: germline.

Dasa
Classification: Uncertain significance for Tuberous sclerosis 2. Last evaluated: 2025-09-26. Review status: criteria provided, single submitter. Criteria: DASA Assertion Criteria. Collection method: clinical testing. Allele origin: germline.
Comment: NM_000548.5(TSC2):c.2356C>T (p.Arg786Cys) is a missense variant that results in the substitution of arginine with cysteine. This variant is rare in population databases. Computational prediction algorithms are consistent with a deleterious effect. The currently available literature and clinical evidence are not sufficient to establish a definitive association between this variant and the reported condition. Therefore, this variant is classified as a variant of uncertain significance.

Myriad Genetics, Inc.
Classification: Likely benign for Tuberous sclerosis 2. Last evaluated: 2025-05-20. Review status: criteria provided, single submitter. Criteria: Myriad Autosomal Dominant, Autosomal Recessive and X-Linked Classification Criteria (2023). Collection method: clinical testing. Allele origin: unknown.
Comment: This variant is considered likely benign. This variant has been observed at a population frequency that is significantly greater than expected given the associated disease prevalence and penetrance.

Ambry Genetics
Classification: Likely benign for Hereditary cancer-predisposing syndrome. Last evaluated: 2022-02-03. Review status: criteria provided, single submitter. Criteria: Ambry Variant Classification Scheme 2023. Collection method: clinical testing. Allele origin: germline.

Genome-Nilou Lab
Classification: Uncertain significance for Tuberous sclerosis 2. Last evaluated: 2021-11-07. Review status: criteria provided, single submitter. Criteria: ACMG Guidelines, 2015. Collection method: clinical testing. Allele origin: germline. Affected: no.

GeneDx
Classification: Uncertain significance. Last evaluated: 2017-08-04. Review status: criteria provided, single submitter. Criteria: GeneDx Variant Classification (06012015). Collection method: clinical testing. Allele origin: germline. Affected: yes.
Comment: The R786C variant has not been published as a pathogenic variant, nor has it been reported as a benign variant to our knowledge. The R786C variant is observed in 5/65,144 (0.008%) alleles from individuals of European background in large population cohorts (Lek et al., 2016; 1000 Genomes Consortium et al., 2015; Exome Variant Server). This variant is a non-conservative amino acid substitution, which is likely to impact secondary protein structure as these residues differ in polarity, charge, size and/or other properties. This substitution occurs at a position that is conserved across species and in silico analysis predicts this variant is probably damaging to the protein structure/function. However, this substitution does not occur within known functional domains of the tuberin protein, where many pathogenic missense variants have been identified (Northrup et al., 2011; Au et al., 2007).

CeGaT Center for Human Genetics Tuebingen
Classification: Uncertain significance. Last evaluated: 2016-07-01. Review status: criteria provided, single submitter. Criteria: CeGaT Center For Human Genetics Tuebingen Variant Classification Criteria Version 2. Collection method: clinical testing. Allele origin: germline. Affected: yes. Observed: 1 variant allele.